The following is an entry in ClinVar:

ClinVar aggregate classification (germline): Uncertain significance (1 of 4 stars; one submission).

Conditions:
Noonan syndrome 9 (NS9). Identifiers: Orphanet 648, MedGen C4225282, MONDO:0014691, OMIM 616559.

Allele frequency attached by ClinVar (database versions not stated): TOPMed below 0.00001.

Submission:

Labcorp Genetics (formerly Invitae), Labcorp
Classification: Uncertain significance for Noonan syndrome 9. Last evaluated: 2023-10-13. Review status: criteria provided, single submitter. Criteria: Invitae Variant Classification Sherloc (09022015). Collection method: clinical testing. Allele origin: germline.
Comment: This sequence change replaces glutamine, which is neutral and polar, with histidine, which is basic and polar, at codon 973 of the SOS2 protein (p.Gln973His). This variant is not present in population databases (gnomAD no frequency). This variant has not been reported in the literature in individuals affected with SOS2-related conditions. ClinVar contains an entry for this variant (Variation ID: 1378958). Advanced modeling of protein sequence and biophysical properties (such as structural, functional, and spatial information, amino acid conservation, physicochemical variation, residue mobility, and thermodynamic stability) performed at Invitae indicates that this missense variant is expected to disrupt SOS2 protein function. In summary, the available evidence is currently insufficient to determine the role of this variant in disease. Therefore, it has been classified as a Variant of Uncertain Significance.

NM_006939.4(SOS2):c.2919G>C (p.Gln973His)

Gene: SOS2 (SOS Ras/Rho guanine nucleotide exchange factor 2; minus strand). Cytogenetic location: 14q21.3.
Variant type: single nucleotide variant.
Coding change: c.2919G>C on transcript NM_006939.4 (MANE Select); coding-DNA position 2919, G replaced by C.
Protein change: p.Gln973His; replaces glutamine 973 with histidine.
Molecular consequence: missense variant.
Genome position (GRCh38, 1-based): chr14:50,138,651, C>G on the plus strand (G>C on the coding strand, the complement: SOS2 is on the minus strand). VCF-style: chr14-50138651-C-G. GRCh37 (hg19) VCF-style: chr14-50605369-C-G.
Other names: short protein forms Q973H.
Identifiers: ClinVar variation 1378958 (VCV001378958.6), dbSNP rs1884164664, ClinGen allele CA389642264.